The following is an entry in ClinVar:

ClinVar aggregate classification (germline): Pathogenic. Review status: reviewed by expert panel (3 of 4 stars). 3 submissions from 3 submitters: Pathogenic (1). 2 of the submissions do not count toward it. Last evaluated 2016-04-22.

Conditions:
Hereditary breast ovarian cancer syndrome. Also called: BRCA1- and BRCA2-Associated Hereditary Breast and Ovarian Cancer; Hereditary breast and ovarian cancer syndrome; Hereditary breast and ovarian cancer syndrome (HBOC); Breast and ovarian cancer; Hereditary breast and/or ovarian cancer syndrome; Hereditary breast and ovarian cancer. Identifiers: Orphanet 145, MedGen C0677776, MeSH D061325, MONDO:0003582. Disease mechanism: loss of function.
Breast-ovarian cancer, familial, susceptibility to, 1 (BROVCA1). Also called: BRCA1 Hereditary Breast and Ovarian Cancer; OVARIAN CANCER, SUSCEPTIBILITY TO. Identifiers: Orphanet 145, MedGen C2676676, MONDO:0011450, OMIM 604370. Disease mechanism: loss of function.

Allele frequency attached by ClinVar (database versions not stated): gnomAD exomes below 0.00001.

Submissions (3):

Evidence-based Network for the Interpretation of Germline Mutant Alleles (ENIGMA)
Classification: Pathogenic for Breast-ovarian cancer, familial, susceptibility to, 1. Last evaluated: 2016-04-22. Review status: reviewed by expert panel. Criteria: ENIGMA BRCA1/2 Classification Criteria (2015). Collection method: curation. Allele origin: germline.
Comment: Variant allele predicted to encode a truncated non-functional protein.

Women's Health and Genetics/Laboratory Corporation of America, LabCorp
Classification: Pathogenic for Hereditary breast ovarian cancer syndrome. Last evaluated: 2025-01-23. Review status: criteria provided, single submitter. Criteria: LabCorp Variant Classification Summary - May 2015. Collection method: clinical testing. Allele origin: germline. Not counted in ClinVar's aggregate classification.
Comment: Variant summary: BRCA1 c.4837delA (p.Ser1613ValfsX20) results in a premature termination codon, predicted to cause a truncation of the encoded protein or absence of the protein due to nonsense mediated decay, which are commonly known mechanisms for disease. The variant was absent in 251384 control chromosomes. c.4837delA has been reported in the literature in individuals that underwent germline testing for Hereditary Breast And Ovarian Cancer Syndrome (e.g. Hondow_2011). To our knowledge, no experimental evidence demonstrating an impact on protein function has been reported. The following publication has been ascertained in the context of this evaluation (PMID: 21702907). ClinVar contains an entry for this variant (Variation ID: 55299). Based on the evidence outlined above, the variant was classified as pathogenic.

Consortium of Investigators of Modifiers of BRCA1/2 (CIMBA), c/o University of Cambridge
Classification: Pathogenic for Breast-ovarian cancer, familial, susceptibility to, 1. Last evaluated: 2015-10-02. Review status: criteria provided, single submitter. Criteria: CIMBA Mutation Classification guidelines May 2016. Collection method: clinical testing. Allele origin: germline. Not counted in ClinVar's aggregate classification.

Literature cited by the submitters: PubMed 21702907 (cited by Women's Health and Genetics/Laboratory Corporation of America, LabCorp).

NM_007294.4(BRCA1):c.4837del (p.Ser1613fs)

Gene: BRCA1 (BRCA1 DNA repair associated; minus strand). Cytogenetic location: 17q21.31.
Variant type: Deletion.
Coding change: c.4837del on transcript NM_007294.4 (MANE Select); coding-DNA position 4837, one base deleted (A; older notation c.4837delA).
Protein change: p.Ser1613fs; shifts the reading frame from serine 1613.
Molecular consequence: frameshift variant. On other transcripts: non-coding transcript variant (1).
Genome position (GRCh38, 1-based): chr17:43,071,077, T deleted on the plus strand (A on the coding strand, the reverse complement: BRCA1 is on the minus strand). VCF-style (leftmost placement, unchanged base first): chr17-43071076-CT-C. GRCh37 (hg19) VCF-style: chr17-41223093-CT-C.
Other names: 4956delA; c.4624delA, p.Ser1542Valfs (NM_001407571.1, NM_001407894.1, NM_001407895.1 and 12 more transcripts); c.4903delA, p.Ser1635Valfs (NM_001407581.1, NM_001407582.1); c.4900delA, p.Ser1634Valfs (NM_001407583.1, NM_001407585.1, NM_001407587.1); c.4897delA, p.Ser1633Valfs (NM_001407590.1, NM_001407591.1); c.4837delA, p.Ser1613Valfs (NM_001407593.1, NM_001407594.1, NM_001407596.1 and 8 more transcripts); c.4834delA, p.Ser1612Valfs (NM_001407610.1, NM_001407611.1, NM_001407612.1 and 17 more transcripts); c.4831delA, p.Ser1611Valfs (NM_001407627.1, NM_001407628.1, NM_001407629.1 and 14 more transcripts); and 74 more; short protein forms S1566fs, S1613fs, S509fs, S1634fs.
Identifiers: ClinVar variation 55299 (VCV000055299.7), dbSNP rs397509199, ClinGen allele CA003046.